The following is an entry in ClinVar:

NM_024854.5(PYROXD1):c.881-2delinsTTT

Gene: PYROXD1 (pyridine nucleotide-disulphide oxidoreductase domain 1; plus strand). Cytogenetic location: 12p12.1.
Variant type: Indel.
Coding change: c.881-2delinsTTT on transcript NM_024854.5 (MANE Select); the canonical splice acceptor site of the intron before coding-DNA position 881, A replaced by TTT.
Molecular consequence: splice acceptor variant.
Genome position (GRCh38, 1-based): chr12:21,462,006, A replaced by TTT. VCF-style: chr12-21462006-A-TTT. GRCh37 (hg19) VCF-style: chr12-21614940-A-TTT.
Other names: c.104-2delinsTTT (NM_001350913.2); c.668-2delinsTTT (NM_001350912.2).
Identifiers: ClinVar variation 4992212 (VCV004992212.1).
Genomic context (GRCh38, chr12:21,462,006, plus strand): 5'-CTGCTGTGGTGATGGTTCCATTTACAAATAAAGTCTGTTTTTTTGGTTTTTTTTTCTTAA[A>TTT]GAGATGTGGCCTGTCTATGTGGAATTGACCAATGAAAAGATATATGGCTGCGATTTCATT-3'

ClinVar aggregate classification (germline): Likely pathogenic (1 of 4 stars; one submission).

Conditions:
PYROXD1-related disorder. Also called: PYROXD1-related condition.

Submission:

PreventionGenetics, part of Exact Sciences
Classification: Likely pathogenic for PYROXD1-related condition. Last evaluated: 2025-12-02. Review status: criteria provided, single submitter. Criteria: ACMG Guidelines, 2015. Collection method: clinical testing. Allele origin: germline.
Comment: The PYROXD1 c.104-2delinsTTT variant is predicted to result in an in-frame deletion and insertion. To our knowledge, this variant has not been reported in the literature or in a large population database (gnomAD), indicating this variant is rare. This variant is interpreted as likely pathogenic.